The following is an entry in ClinVar:

ClinVar aggregate classification (germline): Conflicting classifications of pathogenicity. Review status: criteria provided, conflicting classifications (1 of 4 stars). 6 submissions from 6 submitters: Uncertain significance (3); Likely benign (3). Last evaluated 2025-10-14.

Conditions:
Tuberous sclerosis 2 (TSC2). Identifiers: Orphanet 805, MedGen C1860707, MONDO:0013199, OMIM 613254.
Hereditary cancer-predisposing syndrome. Also called: Hereditary neoplastic syndrome; Neoplastic Syndromes, Hereditary; Tumor predisposition; Hereditary Cancer Syndrome. Identifiers: Orphanet 140162, MedGen C0027672, MeSH D009386, MONDO:0015356.
Tuberous sclerosis syndrome (TSC). Also called: Tuberous Sclerosis Complex; Tuberous sclerosis. Identifiers: Orphanet 805, MedGen C0041341, MONDO:0001734.

Allele frequency attached by ClinVar (database versions not stated): TOPMed 0.00001; ExAC 0.00002; gnomAD exomes 0.00002.
gnomAD v4.1: 9 of 1,612,626 alleles (0.00056%); highest among the groups gnomAD compares: East Asian, 0.0022%; no homozygotes.

Submissions (6):

Labcorp Genetics (formerly Invitae), Labcorp
Classification: Likely benign for Tuberous sclerosis 2. Last evaluated: 2025-10-14. Review status: criteria provided, single submitter. Criteria: Invitae Variant Classification Sherloc (09022015). Collection method: clinical testing. Allele origin: germline.

Myriad Genetics, Inc.
Classification: Likely benign for Tuberous sclerosis 2. Last evaluated: 2024-08-14. Review status: criteria provided, single submitter. Criteria: Myriad Autosomal Dominant, Autosomal Recessive and X-Linked Classification Criteria (2023). Collection method: clinical testing. Allele origin: unknown.
Comment: This variant is considered likely benign. This variant has been observed at a population frequency that is significantly greater than expected given the associated disease prevalence and penetrance.

All of Us Research Program, National Institutes of Health
Classification: Uncertain significance for Tuberous sclerosis syndrome. Last evaluated: 2023-07-10. Review status: criteria provided, single submitter. Criteria: ACMG Guidelines, 2015. Collection method: clinical testing. Allele origin: germline. Inheritance: Autosomal dominant inheritance. Observed: 1 variant allele, 1 heterozygote.
Comment: This missense variant replaces arginine with cysteine at codon 988 of the TSC2 protein. Computational prediction is inconclusive regarding the impact of this variant on protein structure and function (internally defined REVEL score threshold 0.5 < inconclusive < 0.7, PMID: 27666373). To our knowledge, functional studies have not been reported for this variant. This variant has not been reported in individuals affected with TSC2-related disorders in the literature. This variant has been identified in 4/250072 chromosomes in the general population by the Genome Aggregation Database (gnomAD). The available evidence is insufficient to determine the role of this variant in disease conclusively. Therefore, this variant is classified as a Variant of Uncertain Significance.

This study involves interpretation of variants in research participants for the purpose of population health screening. Participant phenotype was not available at the time of variant classification. Additional details can be found in publication PMID: 35346344, PMCID: PMC8962531

Ambry Genetics
Classification: Uncertain significance for Hereditary cancer-predisposing syndrome. Last evaluated: 2023-04-05. Review status: criteria provided, single submitter. Criteria: Ambry Variant Classification Scheme 2023. Collection method: clinical testing. Allele origin: germline.
Comment: The p.R988C variant (also known as c.2962C>T), located in coding exon 25 of the TSC2 gene, results from a C to T substitution at nucleotide position 2962. The arginine at codon 988 is replaced by cysteine, an amino acid with highly dissimilar properties. This amino acid position is well conserved in available vertebrate species. In addition, the in silico prediction for this alteration is inconclusive. Since supporting evidence is limited at this time, the clinical significance of this alteration remains unclear.

Genome-Nilou Lab
Classification: Likely benign for Tuberous sclerosis 2. Last evaluated: 2021-11-07. Review status: criteria provided, single submitter. Criteria: ACMG Guidelines, 2015. Collection method: clinical testing. Allele origin: germline. Affected: no.

GeneDx
Classification: Uncertain significance. Last evaluated: 2019-01-21. Review status: criteria provided, single submitter. Criteria: GeneDx Variant Classification Process June 2021. Collection method: clinical testing. Allele origin: germline. Affected: yes.
Comment: In silico analysis, which includes protein predictors and evolutionary conservation, supports a deleterious effect; Functional studies demonstrate no damaging effect (TSC2 LOVD); This variant is associated with the following publications: (PMID: 21520333, 26703369, 28492532)

NM_000548.5(TSC2):c.2962C>T (p.Arg988Cys)

Gene: TSC2 (TSC complex subunit 2; plus strand). Cytogenetic location: 16p13.3.
Variant type: single nucleotide variant.
Coding change: c.2962C>T on transcript NM_000548.5 (MANE Select); coding-DNA position 2962, C replaced by T.
Protein change: p.Arg988Cys; replaces arginine 988 with cysteine.
Molecular consequence: missense variant. On other transcripts: intron variant (9).
Genome position (GRCh38, 1-based): chr16:2,077,722, C>T. VCF-style: chr16-2077722-C-T. GRCh37 (hg19) VCF-style: chr16-2127723-C-T.
Other names: c.2962C>T, p.Arg988Cys (NM_001114382.3); c.2837+1137C>T (NM_021055.3, NM_001370405.1, NM_001363528.2 and 2 more transcripts); c.2726+1137C>T (NM_001318827.2); c.2237+1137C>T (NM_001318831.2); c.2690+1137C>T (NM_001318829.2); c.2870+1137C>T (NM_001318832.2); short protein forms R988C.
Identifiers: ClinVar variation 467979 (VCV000467979.19), dbSNP rs763047420, ClinGen allele CA043032.